The following is an entry in ClinVar:

NC_000010.10:g.(?_518359)_(532490_?)del

Gene: DIP2C (disco interacting protein 2 homolog C; minus strand). Cytogenetic location: 10p15.3.
Variant type: Deletion.
Identifiers: ClinVar variation 2426029 (VCV002426029.4).

ClinVar aggregate classification (germline): Uncertain significance (1 of 4 stars; one submission).

Submission:

Labcorp Genetics (formerly Invitae), Labcorp
Classification: Uncertain significance. Last evaluated: 2022-11-01. Review status: criteria provided, single submitter. Criteria: Invitae Variant Classification Sherloc (09022015). Collection method: clinical testing. Allele origin: germline.
Comment: In summary, the available evidence is currently insufficient to determine the role of this variant in disease. Therefore, it has been classified as a Variant of Uncertain Significance. Experimental studies and prediction algorithms are not available or were not evaluated, and the functional significance of this variant is currently unknown. This variant has not been reported in the literature in individuals affected with DIP2C-related conditions. This variant is a gross deletion of the genomic region encompassing exon(s) 2-3 of the DIP2C gene. This variant would be expected to be in-frame, preserving the integrity of the reading frame.